The following is an entry in ClinVar:

NC_000016.10:g.67660472C>G

Gene: ACD (ACD shelterin complex subunit and telomerase recruitment factor; minus strand). Cytogenetic location: 16q22.1.
Variant type: single nucleotide variant.
Genome position: GRCh38 VCF-style: chr16-67660472-C-G. GRCh37 (hg19) VCF-style: chr16-67694375-C-G.
Other names: short protein forms G3R.
Identifiers: ClinVar variation 1761603 (VCV001761603.6), dbSNP rs1198686319, ClinGen allele CA396360324.

ClinVar aggregate classification (germline): Uncertain significance. Review status: criteria provided, multiple submitters, no conflicts (2 of 4 stars). 2 submissions from 2 submitters: Uncertain significance (2). Last evaluated 2022-08-28.

Conditions:
Inborn genetic diseases. Identifiers: MedGen C0950123, MeSH D030342.
Dyskeratosis congenita, autosomal dominant 6 (DKCA6). Identifiers: Orphanet 3322, MedGen C4225284, MONDO:0014690, OMIM 616553.

Allele frequency attached by ClinVar (database versions not stated): gnomAD 0.00001; TOPMed 0.00001.

Submissions (2):

Labcorp Genetics (formerly Invitae), Labcorp
Classification: Uncertain significance for Dyskeratosis congenita, autosomal dominant 6. Last evaluated: 2022-08-28. Review status: criteria provided, single submitter. Criteria: Invitae Variant Classification Sherloc (09022015). Collection method: clinical testing. Allele origin: germline.
Comment: In summary, the available evidence is currently insufficient to determine the role of this variant in disease. Therefore, it has been classified as a Variant of Uncertain Significance. This variant has not been reported in the literature in individuals affected with ACD-related conditions. This sequence change replaces glycine, which is neutral and non-polar, with arginine, which is basic and polar, at codon 3 of the ACD protein (p.Gly3Arg). This variant is not present in population databases (gnomAD no frequency). Algorithms developed to predict the effect of missense changes on protein structure and function output the following: SIFT: "Tolerated"; PolyPhen-2: "Probably Damaging"; Align-GVGD: "Class C0". The arginine amino acid residue is found in multiple mammalian species, which suggests that this missense change does not adversely affect protein function.

Ambry Genetics
Classification: Uncertain significance for Inborn genetic diseases. Last evaluated: 2022-04-24. Review status: criteria provided, single submitter. Criteria: Ambry Variant Classification Scheme 2023. Collection method: clinical testing. Allele origin: germline.
Comment: The p.G3R variant (also known as c.7G>C), located in coding exon 1 of the ACD gene, results from a G to C substitution at nucleotide position 7. The glycine at codon 3 is replaced by arginine, an amino acid with dissimilar properties. This amino acid position is conserved. In addition, this alteration is predicted to be tolerated by in silico analysis. Since supporting evidence is limited at this time, the clinical significance of this alteration remains unclear.